The following is an entry in ClinVar:

ClinVar aggregate classification (germline): Uncertain significance. Review status: criteria provided, multiple submitters, no conflicts (2 of 4 stars). 2 submissions from 2 submitters: Uncertain significance (2). Last evaluated 2024-03-25.

Allele frequency attached by ClinVar (database versions not stated): gnomAD exomes 0.00001 and 0.00003; ExAC 0.00002; gnomAD 0.00002; TOPMed 0.00002.
gnomAD v4.1: 15 of 1,613,734 alleles (0.00093%); highest among the groups gnomAD compares: East Asian, 0.033%; no homozygotes.

Submissions (2):

Ambry Genetics
Classification: Uncertain significance. Last evaluated: 2024-03-25. Review status: criteria provided, single submitter. Criteria: Ambry Variant Classification Scheme 2023. Collection method: clinical testing. Allele origin: germline.

Labcorp Genetics (formerly Invitae), Labcorp
Classification: Uncertain significance. Last evaluated: 2021-11-01. Review status: criteria provided, single submitter. Criteria: Invitae Variant Classification Sherloc (09022015). Collection method: clinical testing. Allele origin: germline.
Comment: This sequence change replaces proline, which is neutral and non-polar, with serine, which is neutral and polar, at codon 426 of the FAM46A protein (p.Pro426Ser). This variant is present in population databases (rs750247269, gnomAD 0.04%). This variant has not been reported in the literature in individuals affected with FAM46A-related conditions. Algorithms developed to predict the effect of missense changes on protein structure and function (SIFT, PolyPhen-2, Align-GVGD) all suggest that this variant is likely to be tolerated. In summary, the available evidence is currently insufficient to determine the role of this variant in disease. Therefore, it has been classified as a Variant of Uncertain Significance.

NM_017633.3(TENT5A):c.1276C>T (p.Pro426Ser)

Gene: TENT5A (terminal nucleotidyltransferase 5A; minus strand). Cytogenetic location: 6q14.1.
Variant type: single nucleotide variant.
Coding change: c.1276C>T on transcript NM_017633.3 (MANE Select); coding-DNA position 1276, C replaced by T.
Protein change: p.Pro426Ser; replaces proline 426 with serine.
Molecular consequence: missense variant.
Genome position (GRCh38, 1-based): chr6:81,749,748, G>A on the plus strand (C>T on the coding strand, the complement: TENT5A is on the minus strand). VCF-style: chr6-81749748-G-A. GRCh37 (hg19) VCF-style: chr6-82459465-G-A.
Other names: c.1276C>T (NM_017633.2); short protein forms P426S.
Identifiers: ClinVar variation 1680579 (VCV001680579.4), dbSNP rs750247269, ClinGen allele CA3902898.